The following is an entry in ClinVar:

NM_144999.4(LRRC45):c.198_199insA (p.Asp67fs)

Gene: LRRC45 (leucine rich repeat containing 45; plus strand). Cytogenetic location: 17q25.3.
Variant type: Insertion.
Coding change: c.198_199insA on transcript NM_144999.4 (MANE Select); coding-DNA positions 198 to 199, A inserted.
Protein change: p.Asp67fs; shifts the reading frame from aspartic acid 67.
Molecular consequence: frameshift variant.
Genome position: GRCh38 VCF-style: chr17-82023841-T-TA. GRCh37 (hg19) VCF-style: chr17-79981717-T-TA.
Other names: short protein forms D67fs.
Identifiers: ClinVar variation 5000475 (VCV005000475.1).
Genomic context (GRCh38, chr17:82,023,841, plus strand): 5'-CTGCAGGGCCCTGGGCAAGCTGCTGCCGAGGGAGACGCTGTGCACGGAGCTGGTCCTGAG[T>TA]GACTGCATGCTCAGCGAGGAAGGTGGGCAGGCGCGGCGGGGTGGATCCCTCTGCTCCTTA-3'

ClinVar aggregate classification (germline): Uncertain significance (1 of 4 stars; one submission).

Conditions:
LRRC45-related disorder. Also called: LRRC45-related condition.

Submission:

PreventionGenetics, part of Exact Sciences
Classification: Uncertain significance for LRRC45-related condition. Last evaluated: 2024-12-07. Review status: criteria provided, single submitter. Criteria: ACMG Guidelines, 2015. Collection method: clinical testing. Allele origin: germline.
Comment: The LRRC45 c.198_199insA variant is predicted to result in a frameshift and premature protein termination (p.Asp67Argfs*117). To our knowledge, this variant has not been reported in the literature or in a large population database (gnomAD), indicating this variant is rare. At this time, the clinical significance of this variant is uncertain due to the absence of conclusive functional and genetic evidence.